The following is an entry in ClinVar:

ClinVar aggregate classification (germline): Uncertain significance (1 of 4 stars; one submission).

Submission:

Labcorp Genetics (formerly Invitae), Labcorp
Classification: Uncertain significance. Last evaluated: 2023-08-24. Review status: criteria provided, single submitter. Criteria: Invitae Variant Classification Sherloc (09022015). Collection method: clinical testing. Allele origin: germline.
Comment: A gross deletion of the genomic region encompassing the full coding sequence of the DVL3 gene has been identified. The current clinical and genetic evidence is not sufficient to establish whether loss-of-function variants in DVL3 cause disease. The boundaries of this event are unknown as they extend beyond the assayed region for this gene and therefore may encompass additional genes. This variant has not been reported in the literature in individuals affected with DVL3-related conditions. In summary, the available evidence is currently insufficient to determine the role of this variant in disease. Therefore, it has been classified as a Variant of Uncertain Significance.

NC_000003.11:g.(?_183368145)_(184094097_?)del

Genes: ABCC5 (ATP binding cassette subfamily C member 5; minus strand), ABCF3 (ATP binding cassette subfamily F member 3; plus strand), ALG3 (ALG3 alpha-1,3- mannosyltransferase; minus strand), AP2M1 (adaptor related protein complex 2 subunit mu 1; plus strand), CAMK2N2 (calcium/calmodulin dependent protein kinase II inhibitor 2; minus strand) and 18 more. Cytogenetic location: 3q27.1.
Variant type: Deletion.
Identifiers: ClinVar variation 2425112 (VCV002425112.4).